The following is an entry in ClinVar:

NM_018297.4(NGLY1):c.834G>A (p.Val278=)

Gene: NGLY1 (N-glycanase 1; minus strand). Cytogenetic location: 3p24.2.
Variant type: single nucleotide variant.
Coding change: c.834G>A on transcript NM_018297.4 (MANE Select); coding-DNA position 834, G replaced by A.
Protein change: p.Val278=; no amino-acid change (valine 278 retained).
Molecular consequence: synonymous variant.
Genome position (GRCh38, 1-based): chr3:25,739,624, C>T on the plus strand (G>A on the coding strand, the complement: NGLY1 is on the minus strand). VCF-style: chr3-25739624-C-T. GRCh37 (hg19) VCF-style: chr3-25781115-C-T.
Other names: c.834G>A, p.Val278= (NM_001145293.2, NM_001145295.2); c.708G>A, p.Val236= (NM_001145294.2).
Identifiers: ClinVar variation 506783 (VCV000506783.8), dbSNP rs1437417087, ClinGen allele CA432843219.

ClinVar aggregate classification (germline): Likely benign. Review status: criteria provided, multiple submitters, no conflicts (2 of 4 stars). 2 submissions from 2 submitters: Likely benign (2). Last evaluated 2025-07-23.

Conditions:
Congenital disorder of deglycosylation (CDDG). Identifiers: MedGen C3808991, MONDO:0031376.

Allele frequency attached by ClinVar (database versions not stated): gnomAD exomes below 0.00001 and 0.00001; gnomAD 0.00001; TOPMed 0.00001.
gnomAD v4.1: 11 of 1,613,994 alleles (0.00068%); highest among the groups gnomAD compares: Non-Finnish European, 0.00085%; no homozygotes.

Submissions (2):

Labcorp Genetics (formerly Invitae), Labcorp
Classification: Likely benign for Congenital disorder of deglycosylation. Last evaluated: 2025-07-23. Review status: criteria provided, single submitter. Criteria: Invitae Variant Classification Sherloc (09022015). Collection method: clinical testing. Allele origin: germline.

GeneDx
Classification: Likely benign. Last evaluated: 2017-01-19. Review status: criteria provided, single submitter. Criteria: GeneDx Variant Classification (06012015). Collection method: clinical testing. Allele origin: germline. Affected: yes.
Comment: This variant is considered likely benign or benign based on one or more of the following criteria: it is a conservative change, it occurs at a poorly conserved position in the protein, it is predicted to be benign by multiple in silico algorithms, and/or has population frequency not consistent with disease.